The following is an entry in ClinVar:

ClinVar aggregate classification (germline): Conflicting classifications of pathogenicity. Review status: criteria provided, conflicting classifications (1 of 4 stars). 6 submissions from 6 submitters: Uncertain significance (2); Likely benign (3). 1 of the submissions does not count toward it. Last evaluated 2026-01-21.

Conditions:
Breast-ovarian cancer, familial, susceptibility to, 1 (BROVCA1). Also called: BRCA1 Hereditary Breast and Ovarian Cancer; OVARIAN CANCER, SUSCEPTIBILITY TO. Identifiers: Orphanet 145, MedGen C2676676, MONDO:0011450, OMIM 604370. Disease mechanism: loss of function.
Hereditary cancer-predisposing syndrome. Also called: Hereditary Cancer Syndrome; Neoplastic Syndromes, Hereditary; Hereditary neoplastic syndrome; Tumor predisposition. Identifiers: Orphanet 140162, MedGen C0027672, MeSH D009386, MONDO:0015356.
Hereditary breast ovarian cancer syndrome. Also called: Hereditary breast and/or ovarian cancer syndrome; Hereditary breast and ovarian cancer syndrome; Hereditary breast and ovarian cancer; Hereditary breast and ovarian cancer syndrome (HBOC); Breast and ovarian cancer; BRCA1- and BRCA2-Associated Hereditary Breast and Ovarian Cancer. Identifiers: Orphanet 145, MedGen C0677776, MeSH D061325, MONDO:0003582. Disease mechanism: loss of function.

Allele frequency attached by ClinVar (database versions not stated): gnomAD exomes below 0.00001; TOPMed below 0.00001.

Submissions (7):

Labcorp Genetics (formerly Invitae), Labcorp
Classification: Uncertain significance for Hereditary breast ovarian cancer syndrome. Last evaluated: 2026-01-21. Review status: criteria provided, single submitter. Criteria: Invitae Variant Classification Sherloc (09022015). Collection method: clinical testing. Allele origin: germline.
Comment: This sequence change replaces lysine, which is basic and polar, with arginine, which is basic and polar, at codon 1759 of the BRCA1 protein (p.Lys1759Arg). This variant is not present in population databases (gnomAD no frequency). This variant has not been reported in the literature in individuals affected with BRCA1-related conditions. ClinVar contains an entry for this variant (Variation ID: 96947). An algorithm developed to predict the effect of missense changes on protein structure and function (PolyPhen-2) suggests that this variant is likely to be tolerated. Experimental studies have shown that this missense change does not substantially affect BRCA1 function (PMID: 30209399). In summary, the available evidence is currently insufficient to determine the role of this variant in disease. Therefore, it has been classified as a Variant of Uncertain Significance.

Myriad Genetics, Inc.
Classification: Likely benign for Breast-ovarian cancer, familial, susceptibility to, 1. Last evaluated: 2024-07-08. Review status: criteria provided, single submitter. Criteria: Myriad Autosomal Dominant, Autosomal Recessive and X-Linked Classification Criteria (2023). Collection method: clinical testing. Allele origin: unknown.
Comment: This variant is considered likely benign. This variant is strongly associated with less severe personal and family histories of cancer, typical for individuals without pathogenic variants in this gene [PMID: 25085752].

Lupski Lab, Baylor-Hopkins CMG, Baylor College of Medicine
Classification: Likely benign for Breast-ovarian cancer, familial, susceptibility to, 1. Last evaluated: 2024-04-12. Review status: criteria provided, single submitter. Criteria: Dawood et al. (medRxiv. 2024). Collection method: curation. Allele origin: germline.
Comment: Each variant was annotated with functional scores from MAVE data which was translated into functional evidence codes. All other evidence codes and combining criteria were adhered to as closely as possible based on the ClinGen VCEP (Variant Curation Expert Panel) gene-specific recommendations. See Supplemental Figure 34 of final paper (Supp Fig. 28 in preprint: doi:10.1101/2024.04.11.24305690) for a table to see which lines of evidence we did not have data for. The ClinGen VCEPs are highly regarded as the gold-standard for gene-specific variant curation and are developed after extensive evaluation of the evidence by clinical and scientific experts for the particular gene to classify genomic variants on a spectrum from pathogenic to benign using the 2015 ACMG/AMP Variant Interpretation Guidelines as a backbone (PMID: 25741868). Reclassification of these VUS variants from gnomAD or All of Us focused only on variants originally prescribed as VUS in ClinVar. To ensure reproducibility, transparency, and increased throughput, all the procedures for annotating variants and assigning evidence codes were codified using Python. All code has been made freely available and is linked in the Code Availability section and all reclassified variants with evidence codes used can be found in Tables S18-19 (preprint: doi:10.1101/2024.04.11.24305690). For the MAVE data, the clinical curation and clinical strength assignment as per the ClinGen recommendations in Brnich et al. (2020) (PMID: 31892348) for or against pathogenicity or benignity of each of these MAVE datasets utilized in this study were previously published in Fayer et al. (2021) (PMID: 34793697).In brief, for BRCA1 variants, if a variant was categorized as FUNC (functional), it was assigned BS3 evidence and no PS3 evidence, whereas if it was categorized as LOF (loss of function), the variant was assigned PS3 evidence and no BS3 evidence. Variants categorized as INT (intermediate) were left unannotated. For the BRCA1 combining criteria, greater than or equal to 1 criteria of strong benign evidence was enough to reclassify the VUS as Likely Benign. This variant GRCh38:17:43057053:T>C was assigned evidence codes ['BS3', 'BP4'] and an overall classification of Likely benign

Ambry Genetics
Classification: Likely benign for Hereditary cancer-predisposing syndrome. Last evaluated: 2022-10-17. Review status: criteria provided, single submitter. Criteria: Ambry Variant Classification Scheme 2023. Collection method: clinical testing. Allele origin: germline.

Color Diagnostics, LLC DBA Color Health
Classification: Uncertain significance for Hereditary cancer-predisposing syndrome. Last evaluated: 2021-12-30. Review status: criteria provided, single submitter. Criteria: ACMG Guidelines, 2015. Collection method: clinical testing. Allele origin: germline.
Comment: This missense variant replaces lysine with arginine at codon 1759 of the BRCA1 protein. Computational prediction is inconclusive regarding the impact of this variant on protein structure and function (internally defined REVEL score threshold 0.5 < inconclusive < 0.7, PMID: 27666373). A functional study has reported that this variant does not impact BRCA1 function in a haploid human cell proliferation assay (PMID: 30209399). This variant has not been identified in the general population by the Genome Aggregation Database (gnomAD). The available evidence is insufficient to determine the role of this variant in disease conclusively. Therefore, this variant is classified as a Variant of Uncertain Significance.

Sharing Clinical Reports Project (SCRP)
Classification: Uncertain significance for Breast-ovarian cancer, familial 1. Last evaluated: 2009-02-25. Review status: no assertion criteria provided. Collection method: clinical testing. Allele origin: germline. Not counted in ClinVar's aggregate classification.

Brotman Baty Institute, University of Washington
No classification provided (evidence only). Condition: Breast-ovarian cancer, familial 1. Review status: no classification provided. Collection method: in vitro. Allele origin: not applicable. Functional consequence: functionally_normal. Not counted in ClinVar's aggregate classification.
ClinVar note: "not provided" was previously submitted as the classification for the variant. However, the classification appeared to be based only on an observation of functional data so it was converted to no classification on 2025-07-30.

Literature cited by the submitters: PubMed 30209399 (cited by 3 submitters); PubMed 25085752 (cited by Myriad Genetics, Inc.); PubMed 39142283 (cited by Lupski Lab, Baylor-Hopkins CMG, Baylor College of Medicine); PubMed 34793697 (cited by Lupski Lab, Baylor-Hopkins CMG, Baylor College of Medicine); DOI 10.1101/2024.04.11.24305690 (cited by Lupski Lab, Baylor-Hopkins CMG, Baylor College of Medicine).

NM_007294.4(BRCA1):c.5276A>G (p.Lys1759Arg)

Gene: BRCA1 (BRCA1 DNA repair associated; minus strand). Cytogenetic location: 17q21.31.
Variant type: single nucleotide variant.
Coding change: c.5276A>G on transcript NM_007294.4 (MANE Select); coding-DNA position 5276, A replaced by G.
Protein change: p.Lys1759Arg; replaces lysine 1759 with arginine.
Molecular consequence: missense variant. On other transcripts: non-coding transcript variant (1).
Genome position (GRCh38, 1-based): chr17:43,057,053, T>C on the plus strand (A>G on the coding strand, the complement: BRCA1 is on the minus strand). VCF-style: chr17-43057053-T-C. GRCh37 (hg19) VCF-style: chr17-41209070-T-C.
Other names: 5395A>G; c.5063A>G, p.Lys1688Arg (NM_001407571.1, NM_001407894.1, NM_001407895.1 and 12 more transcripts); c.5342A>G, p.Lys1781Arg (NM_001407581.1, NM_001407582.1); c.5339A>G, p.Lys1780Arg (NM_001407583.1, NM_001407585.1, NM_001407587.1 and 1 more transcripts); c.5336A>G, p.Lys1779Arg (NM_001407590.1, NM_001407591.1); c.5276A>G, p.Lys1759Arg (NM_001407593.1, NM_001407594.1, NM_001407596.1 and 7 more transcripts); c.5273A>G, p.Lys1758Arg (NM_001407620.1, NM_001407621.1, NM_001407622.1 and 17 more transcripts); c.5270A>G, p.Lys1757Arg (NM_001407627.1, NM_001407628.1, NM_001407639.1 and 14 more transcripts); and 73 more; short protein forms K1759R, K1712R, K1780R, K655R, K1590R, K1605R, K1631R, K1632R.
Identifiers: ClinVar variation 96947 (VCV000096947.22), dbSNP rs431825415, ClinGen allele CA003417.